The following is an entry in ClinVar:

NM_020247.5(COQ8A):c.467T>C (p.Met156Thr)

Gene: COQ8A (coenzyme Q8A; plus strand). Cytogenetic location: 1q42.13.
Variant type: single nucleotide variant.
Coding change: c.467T>C on transcript NM_020247.5 (MANE Select); coding-DNA position 467, T replaced by C.
Protein change: p.Met156Thr; replaces methionine 156 with threonine.
Molecular consequence: missense variant.
Genome position (GRCh38, 1-based): chr1:226,965,289, T>C. VCF-style: chr1-226965289-T-C. GRCh37 (hg19) VCF-style: chr1-227152990-T-C.
Other names: p.Met156Thr; short protein forms M156T.
Identifiers: ClinVar variation 874636 (VCV000874636.12), dbSNP rs147812454, ClinGen allele CA1425013.

ClinVar aggregate classification (germline): Uncertain significance. Review status: criteria provided, multiple submitters, no conflicts (2 of 4 stars). 5 submissions from 5 submitters: Uncertain significance (5). Last evaluated 2025-06-13.

Conditions:
Autosomal recessive ataxia due to ubiquinone deficiency. Also called: SPINOCEREBELLAR ATAXIA, AUTOSOMAL RECESSIVE 9; Coenzyme Q10 deficiency, primary, 4. Identifiers: Orphanet 139485, MedGen C2677589, MONDO:0012784, OMIM 612016.

Allele frequency attached by ClinVar (database versions not stated): ExAC 0.00001; gnomAD exomes 0.00001 and 0.00002; gnomAD 0.00005; ESP Exome Variant Server 0.00008; TOPMed 0.00008; 1000 Genomes Project 0.00020; 1000 Genomes Project 30x 0.00031.

Submissions (5):

Athena Diagnostics
Classification: Uncertain significance. Last evaluated: 2025-06-13. Review status: criteria provided, single submitter. Criteria: Athena Diagnostics Criteria. Collection method: clinical testing. Allele origin: unknown.
Comment: Available data are insufficient to determine the clinical significance of the variant at this time. The frequency of this variant in the general population is uninformative in assessment of its pathogenicity. Polyphen and MutationTaster predict this amino acid change may be benign.

Mayo Clinic Laboratories, Mayo Clinic
Classification: Uncertain significance. Last evaluated: 2025-01-30. Review status: criteria provided, single submitter. Criteria: ACMG Guidelines, 2015. Collection method: clinical testing. Allele origin: germline. Observed: 1 variant allele.
Comment: BP4, PM2_supporting

GeneDx
Classification: Uncertain significance. Last evaluated: 2024-12-16. Review status: criteria provided, single submitter. Criteria: GeneDx Variant Classification Process June 2021. Collection method: clinical testing. Allele origin: germline. Affected: yes.
Comment: In silico analysis indicates that this missense variant does not alter protein structure/function; Has not been previously published as pathogenic or benign to our knowledge

Labcorp Genetics (formerly Invitae), Labcorp
Classification: Uncertain significance. Last evaluated: 2024-05-15. Review status: criteria provided, single submitter. Criteria: Invitae Variant Classification Sherloc (09022015). Collection method: clinical testing. Allele origin: germline.
Comment: This sequence change replaces methionine, which is neutral and non-polar, with threonine, which is neutral and polar, at codon 156 of the COQ8A protein (p.Met156Thr). This variant is present in population databases (rs147812454, gnomAD 0.03%). This variant has not been reported in the literature in individuals affected with COQ8A-related conditions. ClinVar contains an entry for this variant (Variation ID: 874636). Advanced modeling of protein sequence and biophysical properties (such as structural, functional, and spatial information, amino acid conservation, physicochemical variation, residue mobility, and thermodynamic stability) performed at Invitae indicates that this missense variant is not expected to disrupt COQ8A protein function with a negative predictive value of 95%. In summary, the available evidence is currently insufficient to determine the role of this variant in disease. Therefore, it has been classified as a Variant of Uncertain Significance.

Illumina Laboratory Services, Illumina
Classification: Uncertain significance for Autosomal recessive ataxia due to ubiquinone deficiency. Last evaluated: 2018-01-12. Review status: criteria provided, single submitter. Criteria: ICSL Variant Classification Criteria 13 December 2019. Collection method: clinical testing. Allele origin: germline.